The following is an entry in ClinVar:

ClinVar aggregate classification (germline): Uncertain significance (1 of 4 stars; one submission).

Conditions:
CFDP1-related disorder. Also called: CFDP1-related condition.

Submission:

PreventionGenetics, part of Exact Sciences
Classification: Uncertain significance for CFDP1-related condition. Last evaluated: 2023-07-18. Review status: criteria provided, single submitter. Criteria: ACMG Guidelines, 2015. Collection method: clinical testing. Allele origin: germline.
Comment: The CFDP1 c.813C>G variant is predicted to result in premature protein termination (p.Tyr271*). This variant occurs within the terminal exon of CFDP1. To our knowledge, this variant has not been reported in the literature or in a large population database, indicating this variant is rare. Loss of function has not been a well documented cause of CFDP1-related disease. At this time, the clinical significance of this variant is uncertain due to the absence of conclusive functional and genetic evidence.

NM_006324.3(CFDP1):c.813C>G (p.Tyr271Ter)

Gene: CFDP1 (craniofacial development protein 1; minus strand). Cytogenetic location: 16q23.1.
Variant type: single nucleotide variant.
Coding change: c.813C>G on transcript NM_006324.3 (MANE Select); coding-DNA position 813, C replaced by G.
Protein change: p.Tyr271Ter; replaces tyrosine 271 with a stop codon.
Molecular consequence: nonsense.
Genome position (GRCh38, 1-based): chr16:75,294,039, G>C on the plus strand (C>G on the coding strand, the complement: CFDP1 is on the minus strand). VCF-style: chr16-75294039-G-C. GRCh37 (hg19) VCF-style: chr16-75327937-G-C.
Other names: short protein forms Y271*.
Identifiers: ClinVar variation 2631405 (VCV002631405.1), dbSNP rs2507589670, ClinGen allele CA396786219.